The following is an entry in ClinVar:

ClinVar aggregate classification (germline): Uncertain significance (1 of 4 stars; one submission).

Allele frequency attached by ClinVar (database versions not stated): gnomAD 0.00001; TOPMed 0.00001.

Submission:

Labcorp Genetics (formerly Invitae), Labcorp
Classification: Uncertain significance. Last evaluated: 2024-12-19. Review status: criteria provided, single submitter. Criteria: Invitae Variant Classification Sherloc (09022015). Collection method: clinical testing. Allele origin: germline.
Comment: This sequence change creates a premature translational stop signal (p.Arg280*) in the ADGRE2 gene. It is expected to result in an absent or disrupted protein product. However, the current clinical and genetic evidence is not sufficient to establish whether loss-of-function variants in ADGRE2 cause disease. This variant is not present in population databases (gnomAD no frequency). This variant has not been reported in the literature in individuals affected with ADGRE2-related conditions. ClinVar contains an entry for this variant (Variation ID: 2886148). In summary, the available evidence is currently insufficient to determine the role of this variant in disease. Therefore, it has been classified as a Variant of Uncertain Significance.

NM_013447.4(ADGRE2):c.838C>T (p.Arg280Ter)

Gene: ADGRE2 (adhesion G protein-coupled receptor E2; minus strand). Cytogenetic location: 19p13.12.
Variant type: single nucleotide variant.
Coding change: c.838C>T on transcript NM_013447.4 (MANE Select); coding-DNA position 838, C replaced by T.
Protein change: p.Arg280Ter; replaces arginine 280 with a stop codon.
Molecular consequence: nonsense.
Genome position (GRCh38, 1-based): chr19:14,765,388, G>A on the plus strand (C>T on the coding strand, the complement: ADGRE2 is on the minus strand). VCF-style: chr19-14765388-G-A. GRCh37 (hg19) VCF-style: chr19-14876200-G-A.
Other names: c.838C>T, p.Arg280Ter (NM_001271052.1); c.691C>T, p.Arg231Ter (NM_152916.2); c.559C>T, p.Arg187Ter (NM_152917.2); short protein forms R187*, R280*, R231*.
Identifiers: ClinVar variation 2886148 (VCV002886148.3), dbSNP rs1401601834, ClinGen allele CA404460090.